The following is an entry in ClinVar:

ClinVar aggregate classification (germline): Uncertain significance. Review status: criteria provided, multiple submitters, no conflicts (2 of 4 stars). 7 submissions from 7 submitters: Uncertain significance (7). Last evaluated 2026-02-10.

Conditions:
INVS-related disorder. Also called: INVS-related condition.
Nephronophthisis. Also called: Juvenile Nephronophthisis. Identifiers: Orphanet 655, MedGen C0687120, MONDO:0019005, HP:0000090.
Infantile nephronophthisis (NPHP2). Also called: Nephronophthisis 2, infantile; Nephronophthisis 2. Identifiers: Orphanet 655, Orphanet 93591, MedGen C1865872, MONDO:0011190, OMIM 602088.

Allele frequency attached by ClinVar (database versions not stated): ExAC 0.00012; ESP Exome Variant Server 0.00023; 1000 Genomes Project 30x 0.00031; 1000 Genomes Project 0.00040; TOPMed 0.00042; gnomAD 0.00044 and 0.00048; gnomAD exomes 0.00003 and 0.00009.
gnomAD v4.1: 114 of 1,613,138 alleles (0.0071%); highest among the groups gnomAD compares: African/African-American, 0.14%; no homozygotes.

Submissions (7):

PreventionGenetics, part of Exact Sciences
Classification: Uncertain significance for INVS-related condition. Last evaluated: 2026-02-10. Review status: criteria provided, single submitter. Criteria: ACMG Guidelines, 2015. Collection method: clinical testing. Allele origin: germline.
Comment: The INVS c.2785A>G variant is predicted to result in the amino acid substitution p.Ser929Gly. This variant was reported along with additional INVS variants in an individual with focal and segmental glomerulosclerosis (Table S4, Wang et al. 2019. PubMed ID: 31308072). This variant is reported in 0.13% of alleles in individuals of African descent in gnomAD. Although we suspect that this variant may be benign, at this time, the clinical significance of this variant is uncertain due to the absence of conclusive functional and genetic evidence.

Greenwood Genetic Center Diagnostic Laboratories, Greenwood Genetic Center
Classification: Uncertain significance. Last evaluated: 2025-06-16. Review status: criteria provided, single submitter. Criteria: ACMG Guidelines, 2015. Collection method: clinical testing. Allele origin: germline. Affected: yes.
Comment: BP4

Labcorp Genetics (formerly Invitae), Labcorp
Classification: Uncertain significance for Nephronophthisis. Last evaluated: 2024-10-07. Review status: criteria provided, single submitter. Criteria: Invitae Variant Classification Sherloc (09022015). Collection method: clinical testing. Allele origin: germline.
Comment: This sequence change replaces serine, which is neutral and polar, with glycine, which is neutral and non-polar, at codon 929 of the INVS protein (p.Ser929Gly). This variant is present in population databases (rs116188920, gnomAD 0.1%). This missense change has been observed in individual(s) with focal segmental glomerulosclerosis (PMID: 31308072). ClinVar contains an entry for this variant (Variation ID: 194406). An algorithm developed to predict the effect of missense changes on protein structure and function (PolyPhen-2) suggests that this variant is likely to be disruptive. In summary, the available evidence is currently insufficient to determine the role of this variant in disease. Therefore, it has been classified as a Variant of Uncertain Significance.

Blueprint Genetics
Classification: Uncertain significance. Last evaluated: 2024-08-08. Review status: criteria provided, single submitter. Criteria: ACMG Guidelines, 2015. Collection method: clinical testing. Allele origin: germline.

Fulgent Genetics
Classification: Uncertain significance for Infantile nephronophthisis. Last evaluated: 2022-05-06. Review status: criteria provided, single submitter. Criteria: ACMG Guidelines, 2015. Collection method: clinical testing. Allele origin: unknown.

GeneDx
Classification: Uncertain significance. Last evaluated: 2022-04-08. Review status: criteria provided, single submitter. Criteria: GeneDx Variant Classification Process June 2021. Collection method: clinical testing. Allele origin: germline. Affected: yes.
Comment: Has not been previously published as pathogenic or benign to our knowledge; In silico analysis supports that this missense variant does not alter protein structure/function; In-silico analysis is inconclusive as to whether the variant alters gene splicing. In the absence of RNA/functional studies, the actual effect of this sequence change is unknown.

Eurofins Ntd Llc (ga)
Classification: Uncertain significance. Last evaluated: 2018-07-24. Review status: criteria provided, single submitter. Criteria: EGL ClinVar v180209 classification definitions. Collection method: clinical testing. Allele origin: germline. Observed: 7 variant alleles, 7 heterozygotes.

Literature cited by the submitters: PubMed 31308072 (cited by Labcorp Genetics (formerly Invitae), Labcorp).

NM_014425.5(INVS):c.2785A>G (p.Ser929Gly)

Gene: INVS (inversin; plus strand). Cytogenetic location: 9q31.1.
Variant type: single nucleotide variant.
Coding change: c.2785A>G on transcript NM_014425.5 (MANE Select); coding-DNA position 2785, A replaced by G.
Protein change: p.Ser929Gly; replaces serine 929 with glycine.
Molecular consequence: missense variant. On other transcripts: non-coding transcript variant (1).
Genome position (GRCh38, 1-based): chr9:100,293,042, A>G. VCF-style: chr9-100293042-A-G. GRCh37 (hg19) VCF-style: chr9-103055324-A-G.
Other names: c.2497A>G, p.Ser833Gly (NM_001318381.2); c.1807A>G, p.Ser603Gly (NM_001318382.2); c.2785A>G (NM_014425.4); short protein forms S929G, S603G, S833G.
Identifiers: ClinVar variation 194406 (VCV000194406.20), dbSNP rs116188920, ClinGen allele CA240332.